The following is an entry in ClinVar:

NM_000191.3(HMGCL):c.233C>T (p.Ser78Phe)

Gene: HMGCL (3-hydroxy-3-methylglutaryl-CoA lyase; minus strand). Cytogenetic location: 1p36.11.
Variant type: single nucleotide variant.
Coding change: c.233C>T on transcript NM_000191.3 (MANE Select); coding-DNA position 233, C replaced by T.
Protein change: p.Ser78Phe; replaces serine 78 with phenylalanine.
Molecular consequence: missense variant.
Genome position (GRCh38, 1-based): chr1:23,817,495, G>A on the plus strand (C>T on the coding strand, the complement: HMGCL is on the minus strand). VCF-style: chr1-23817495-G-A. GRCh37 (hg19) VCF-style: chr1-24143985-G-A.
Other names: c.233C>T, p.Ser78Phe (NM_001166059.2); short protein forms S78F.
Identifiers: ClinVar variation 2083770 (VCV002083770.4), dbSNP rs754253328, ClinGen allele CA686160.

ClinVar aggregate classification (germline): Uncertain significance. Review status: criteria provided, multiple submitters, no conflicts (2 of 4 stars). 2 submissions from 2 submitters: Uncertain significance (2). Last evaluated 2025-10-13.

Conditions:
Deficiency of hydroxymethylglutaryl-CoA lyase (HMGCLD). Also called: HMGCL DEFICIENCY; HYDROXYMETHYLGLUTARIC ACIDURIA; HMG-CoA LYASE DEFICIENCY; Defect in leucine metabolism; 3-hydroxy-3-methylglutaric aciduria. Identifiers: Orphanet 20, MedGen C1533587, MONDO:0009520, OMIM 246450.

Allele frequency attached by ClinVar (database versions not stated): TOPMed 0.00006.
gnomAD v4.1: 15 of 1,611,030 alleles (0.00093%); highest among the groups gnomAD compares: Admixed American, 0.015%; no homozygotes.

Submissions (2):

Myriad Genetics, Inc.
Classification: Uncertain significance for Deficiency of hydroxymethylglutaryl-CoA lyase. Last evaluated: 2025-10-13. Review status: criteria provided, single submitter. Criteria: Myriad Autosomal Dominant, Autosomal Recessive and X-Linked Classification Criteria (2023). Collection method: clinical testing. Allele origin: unknown.
Comment: NM_000191.2(HMGCL):c.233C>T(S78F) is a missense variant classified as a variant of uncertain significance in the context of HMG-CoA lyase deficiency. S78F has been observed in a case with relevant disease (PMID: 39519275). Relevant functional assessments of this variant are not available in the literature. S78F has been observed in referenced population frequency databases. In summary, there is insufficient evidence to classify NM_000191.2(HMGCL):c.233C>T(S78F) as pathogenic or benign. Please note: this variant was assessed in the context of healthy population screening.

Labcorp Genetics (formerly Invitae), Labcorp
Classification: Uncertain significance for Deficiency of hydroxymethylglutaryl-CoA lyase. Last evaluated: 2025-01-13. Review status: criteria provided, single submitter. Criteria: Invitae Variant Classification Sherloc (09022015). Collection method: clinical testing. Allele origin: germline.
Comment: This sequence change replaces serine, which is neutral and polar, with phenylalanine, which is neutral and non-polar, at codon 78 of the HMGCL protein (p.Ser78Phe). This variant is present in population databases (rs754253328, gnomAD 0.01%). This variant has not been reported in the literature in individuals affected with HMGCL-related conditions. ClinVar contains an entry for this variant (Variation ID: 2083770). Invitae Evidence Modeling of protein sequence and biophysical properties (such as structural, functional, and spatial information, amino acid conservation, physicochemical variation, residue mobility, and thermodynamic stability) indicates that this missense variant is expected to disrupt HMGCL protein function with a positive predictive value of 80%. In summary, the available evidence is currently insufficient to determine the role of this variant in disease. Therefore, it has been classified as a Variant of Uncertain Significance.

Literature cited by the submitters: PubMed 39519275 (cited by Myriad Genetics, Inc.).